The following is an entry in ClinVar:

ClinVar aggregate classification (germline): Conflicting classifications of pathogenicity. Review status: criteria provided, conflicting classifications (1 of 4 stars). 4 submissions from 4 submitters: Uncertain significance (3); Likely benign (1). Last evaluated 2024-08-28.

Conditions:
Hereditary cancer-predisposing syndrome. Also called: Tumor predisposition; Neoplastic Syndromes, Hereditary; Hereditary Cancer Syndrome; Hereditary neoplastic syndrome. Identifiers: Orphanet 140162, MedGen C0027672, MeSH D009386, MONDO:0015356.
Familial cancer of breast. Also called: BREAST CANCER, FAMILIAL; Hereditary breast cancer; hereditary breast carcinoma. Identifiers: Orphanet 227535, MedGen C0346153, MONDO:0016419, OMIM 114480. Disease mechanism: loss of function.
Fanconi anemia complementation group J. Also called: BRIP1-Related Fanconi Anemia. Identifiers: Orphanet 84, MedGen C1836860, MONDO:0012187, OMIM 609054.
Familial ovarian cancer. Identifiers: MedGen C5679802, MONDO:0016248.

Allele frequency attached by ClinVar (database versions not stated): TOPMed below 0.00001.
gnomAD v4.1: 1 of 1,589,900 alleles (0.000063%); highest among the groups gnomAD compares: Non-Finnish European, 0.000086%; no homozygotes.

Submissions (4):

Molecular Pathology, Peter Maccallum Cancer Centre
Classification: Uncertain significance for Familial ovarian cancer. Last evaluated: 2024-08-28. Review status: criteria provided, single submitter. Criteria: ACMG Guidelines, 2015. Collection method: clinical testing. Allele origin: germline. Inheritance: Autosomal dominant inheritance.

GeneDx
Classification: Uncertain significance. Last evaluated: 2023-07-07. Review status: criteria provided, single submitter. Criteria: GeneDx Variant Classification Process June 2021. Collection method: clinical testing. Allele origin: germline. Affected: yes.
Comment: Not observed at significant frequency in large population cohorts (gnomAD); In silico analysis supports that this variant does not alter splicing; Has not been previously published as pathogenic or benign to our knowledge

Labcorp Genetics (formerly Invitae), Labcorp
Classification: Likely benign for Familial cancer of breast; Fanconi anemia complementation group J. Last evaluated: 2023-05-15. Review status: criteria provided, single submitter. Criteria: Invitae Variant Classification Sherloc (09022015). Collection method: clinical testing. Allele origin: germline.

Color Diagnostics, LLC DBA Color Health
Classification: Uncertain significance for Hereditary cancer-predisposing syndrome. Last evaluated: 2019-05-09. Review status: criteria provided, single submitter. Criteria: ACMG Guidelines, 2015. Collection method: clinical testing. Allele origin: germline.

NM_032043.3(BRIP1):c.205+6T>C

Gene: BRIP1 (BRCA1 interacting DNA helicase 1; minus strand). Cytogenetic location: 17q23.2.
Variant type: single nucleotide variant.
Coding change: c.205+6T>C on transcript NM_032043.3 (MANE Select); 6 bases into the intron after coding-DNA position 205, T replaced by C.
Molecular consequence: intron variant.
Genome position (GRCh38, 1-based): chr17:61,859,790, A>G on the plus strand (T>C on the coding strand, the complement: BRIP1 is on the minus strand). VCF-style: chr17-61859790-A-G. GRCh37 (hg19) VCF-style: chr17-59937151-A-G.
Identifiers: ClinVar variation 628255 (VCV000628255.14), dbSNP rs1555618360, ClinGen allele CA913188902.